The following is an entry in ClinVar:

NM_003079.5(SMARCE1):c.541+2T>C

Gene: SMARCE1 (SWI/SNF related BAF chromatin remodeling complex subunit E1; minus strand). Cytogenetic location: 17q21.2.
Variant type: single nucleotide variant.
Coding change: c.541+2T>C on transcript NM_003079.5 (MANE Select); the canonical splice donor site of the intron after coding-DNA position 541, T replaced by C.
Molecular consequence: splice donor variant.
Genome position (GRCh38, 1-based): chr17:40,635,929, A>G on the plus strand (T>C on the coding strand, the complement: SMARCE1 is on the minus strand). VCF-style: chr17-40635929-A-G. GRCh37 (hg19) VCF-style: chr17-38792181-A-G.
Identifiers: ClinVar variation 3721691 (VCV003721691.2).
Genomic context (GRCh38, chr17:40,635,929, plus strand): 5'-AGATTTCTCATATCTTAACTCACAGAGAAAGCATAAACAAAACCCCACTTTTTTTCTTTT[A>G]CCATCTGGATCTTCAGCAGGCTGAATGCTCATGTACGGTTCTCCTTTCTCCATGCGAGAT-3'

ClinVar aggregate classification (germline): Likely pathogenic (1 of 4 stars; one submission).

Conditions:
Familial meningioma. Also called: Meningioma, familial, susceptibility to. Identifiers: Orphanet 263662, MedGen C3551915, MONDO:0011789, OMIM 607174.

Submission:

Labcorp Genetics (formerly Invitae), Labcorp
Classification: Likely pathogenic for Familial meningioma. Last evaluated: 2025-02-12. Review status: criteria provided, single submitter. Criteria: Invitae Variant Classification Sherloc (09022015). Collection method: clinical testing. Allele origin: germline.
Comment: This sequence change affects a donor splice site in intron 7 of the SMARCE1 gene. It is expected to disrupt RNA splicing. Variants that disrupt the donor or acceptor splice site typically lead to a loss of protein function (PMID: 16199547), and loss-of-function variants in SMARCE1 are known to be pathogenic (PMID: 23377182). This variant is not present in population databases (gnomAD no frequency). This variant has not been reported in the literature in individuals affected with SMARCE1-related conditions. Algorithms developed to predict the effect of sequence changes on RNA splicing suggest that this variant may disrupt the consensus splice site. In summary, the currently available evidence indicates that the variant is pathogenic, but additional data are needed to prove that conclusively. Therefore, this variant has been classified as Likely Pathogenic.

Literature cited by the submitters: PubMed 16199547; PubMed 23377182.